The following is an entry in ClinVar:

NM_001128636.4(ELFN1):c.811C>T (p.Gln271Ter)

Gene: ELFN1 (extracellular leucine rich repeat and fibronectin type III domain containing 1; plus strand). Cytogenetic location: 7p22.3.
Variant type: single nucleotide variant.
Coding change: c.811C>T on transcript NM_001128636.4 (MANE Select); coding-DNA position 811, C replaced by T.
Protein change: p.Gln271Ter; replaces glutamine 271 with a stop codon.
Molecular consequence: nonsense.
Genome position (GRCh38, 1-based): chr7:1,745,407, C>T. VCF-style: chr7-1745407-C-T. GRCh37 (hg19) VCF-style: chr7-1785043-C-T.
Other names: c.811C>T, p.Gln271Ter (NM_001394187.1, NM_001394188.1); short protein forms Q271*.
Identifiers: ClinVar variation 4536291 (VCV004536291.1).
Genomic context (GRCh38, chr7:1,745,407, plus strand): 5'-ACCGAGGACTCGTACGCGGCTGAGGTGGTCGGGCCCCCACGTCCAGCATCCGGGCGCTCA[C>T]AGCCGGGCCGCTCCCCGCCGCCCCCGCCTCCGCCGGAGCCCAGTGACATGCCCTGTGCCG-3'

ClinVar aggregate classification (germline): Uncertain significance (1 of 4 stars; one submission).

Submission:

GeneDx
Classification: Uncertain significance. Last evaluated: 2024-12-07. Review status: criteria provided, single submitter. Criteria: GeneDx Variant Classification Process June 2021. Collection method: clinical testing. Allele origin: germline. Affected: yes.
Comment: Not observed at significant frequency in large population cohorts (gnomAD); Nonsense variant predicted to result in protein truncation as the last 558 amino acids are lost with an unclear effect on protein function; Has not been previously published as pathogenic or benign to our knowledge; Variants in candidate genes are classified as variants of uncertain significance in accordance with ACMG guidelines (PMID: 25741868)